The following is an entry in ClinVar:

NM_174912.4(FAAH2):c.99T>C (p.Gly33=)

Gene: FAAH2 (fatty acid amide hydrolase 2; plus strand). Cytogenetic location: Xp11.21.
Variant type: single nucleotide variant.
Coding change: c.99T>C on transcript NM_174912.4 (MANE Select); coding-DNA position 99, T replaced by C.
Protein change: p.Gly33=; no amino-acid change (glycine 33 retained).
Molecular consequence: synonymous variant. On other transcripts: non-coding transcript variant (2).
Genome position (GRCh38, 1-based): chrX:57,286,924, T>C. VCF-style: chrX-57286924-T-C. GRCh37 (hg19) VCF-style: chrX-57313357-T-C.
Other names: c.99T>C, p.Gly33= (NM_001353840.1, NM_001353841.1).
Identifiers: ClinVar variation 3056042 (VCV003056042.2), dbSNP rs2516023, ClinGen allele CA10430505.

ClinVar aggregate classification (germline): Benign (0 of 4 stars; one submission).

Conditions:
FAAH2-related disorder. Also called: FAAH2-related condition.

Allele frequency attached by ClinVar (database versions not stated): gnomAD exomes 0.27122; ExAC 0.41002; gnomAD 0.45394; ESP Exome Variant Server 0.48973; TOPMed 0.50015; 1000 Genomes Project 0.52980; 1000 Genomes Project 30x 0.53652.
gnomAD v4.1: 349,058 of 1,201,299 alleles (29%); highest among the groups gnomAD compares: African/African-American, 90%; 45,773 homozygotes.

Submission:

PreventionGenetics, part of Exact Sciences
Classification: Benign for FAAH2-related condition. Last evaluated: 2020-04-14. Review status: no assertion criteria provided. Collection method: clinical testing. Allele origin: germline.
Comment: This variant is classified as benign based on ACMG/AMP sequence variant interpretation guidelines (Richards et al. 2015 PMID: 25741868, with internal and published modifications).